The following is an entry in ClinVar:

ClinVar aggregate classification (germline): Benign/Likely benign. Review status: criteria provided, multiple submitters, no conflicts (2 of 4 stars). 3 submissions from 3 submitters: Benign (1); Likely benign (2). Last evaluated 2025-09-26.

Allele frequency attached by ClinVar (database versions not stated): gnomAD 0.00119 and 0.00129; TOPMed 0.00121; 1000 Genomes Project 0.00240; 1000 Genomes Project 30x 0.00250; gnomAD exomes 0.00011 and 0.00022; ExAC 0.00028; ESP Exome Variant Server 0.00108.
gnomAD v4.1: 351 of 1,614,210 alleles (0.022%); highest among the groups gnomAD compares: African/African-American, 0.44%; 1 homozygote.

Submissions (3):

Mayo Clinic Laboratories, Mayo Clinic
Classification: Likely benign. Last evaluated: 2025-09-26. Review status: criteria provided, single submitter. Criteria: ACMG Guidelines, 2015. Collection method: clinical testing. Allele origin: germline. Observed: 4 variant alleles.
Comment: BS1, BP4

Labcorp Genetics (formerly Invitae), Labcorp
Classification: Likely benign. Last evaluated: 2024-10-21. Review status: criteria provided, single submitter. Criteria: Invitae Variant Classification Sherloc (09022015). Collection method: clinical testing. Allele origin: germline.

Eurofins Ntd Llc (ga)
Classification: Benign. Last evaluated: 2014-12-02. Review status: criteria provided, single submitter. Criteria: EGL Classification Definitions 2015. Collection method: clinical testing. Allele origin: germline. Observed: 1 variant allele, 1 heterozygote.

NM_000392.5(ABCC2):c.3026T>C (p.Ile1009Thr)

Gene: ABCC2 (ATP binding cassette subfamily C member 2; plus strand). Cytogenetic location: 10q24.2.
Variant type: single nucleotide variant.
Coding change: c.3026T>C on transcript NM_000392.5 (MANE Select); coding-DNA position 3026, T replaced by C.
Protein change: p.Ile1009Thr; replaces isoleucine 1009 with threonine.
Molecular consequence: missense variant.
Genome position (GRCh38, 1-based): chr10:99,831,753, T>C. VCF-style: chr10-99831753-T-C. GRCh37 (hg19) VCF-style: chr10-101591510-T-C.
Other names: p.Ile1009Thr; c.3026T>C, p.Ile1009Thr (LRG_1208t1); short protein forms I1009T.
Identifiers: ClinVar variation 195648 (VCV000195648.12), dbSNP rs57351269, ClinGen allele CA201870.